The following is an entry in ClinVar:

NM_019066.5(MAGEL2):c.225G>A (p.Pro75=)

Gene: MAGEL2 (MAGE family member L2; minus strand). Cytogenetic location: 15q11.2.
Variant type: single nucleotide variant.
Coding change: c.225G>A on transcript NM_019066.5 (MANE Select); coding-DNA position 225, G replaced by A.
Protein change: p.Pro75=; no amino-acid change (proline 75 retained).
Molecular consequence: synonymous variant.
Genome position (GRCh38, 1-based): chr15:23,647,518, C>T on the plus strand (G>A on the coding strand, the complement: MAGEL2 is on the minus strand). VCF-style: chr15-23647518-C-T. GRCh37 (hg19) VCF-style: chr15-23892665-C-T.
Identifiers: ClinVar variation 705504 (VCV000705504.44), dbSNP rs564216035, ClinGen allele CA7430126.

ClinVar aggregate classification (germline): Benign/Likely benign. Review status: criteria provided, multiple submitters, no conflicts (2 of 4 stars). 9 submissions from 9 submitters: Benign (4); Likely benign (2). 3 of the submissions do not count toward it. Last evaluated 2026-04-01.

Allele frequency attached by ClinVar (database versions not stated): gnomAD exomes 0.00064 and 0.00160; gnomAD 0.00300 and 0.00309; TOPMed 0.00309; 1000 Genomes Project 30x 0.00515; ExAC 0.00311; 1000 Genomes Project 0.00459.
gnomAD v4.1: 1,387 of 1,530,822 alleles (0.091%); highest among the groups gnomAD compares: African/African-American, 0.9%; 5 homozygotes.

Submissions (9):

CeGaT Center for Human Genetics Tuebingen
Classification: Likely benign. Last evaluated: 2026-04-01. Review status: criteria provided, single submitter. Criteria: CeGaT Center For Human Genetics Tuebingen Variant Classification Criteria Version 2. Collection method: clinical testing. Allele origin: germline. Affected: yes. Observed: 6 variant alleles.
Comment: MAGEL2: BP4, BP7

Labcorp Genetics (formerly Invitae), Labcorp
Classification: Benign. Last evaluated: 2026-01-24. Review status: criteria provided, single submitter. Criteria: Invitae Variant Classification Sherloc (09022015). Collection method: clinical testing. Allele origin: germline.

Blueprint Genetics
Classification: Likely benign. Last evaluated: 2024-10-24. Review status: criteria provided, single submitter. Criteria: ACMG Guidelines, 2015. Collection method: clinical testing. Allele origin: germline.

GeneDx
Classification: Benign. Last evaluated: 2020-02-20. Review status: criteria provided, single submitter. Criteria: GeneDx Variant Classification Process June 2021. Collection method: clinical testing. Allele origin: germline. Affected: yes.

Genetic Services Laboratory, University of Chicago
Classification: Benign. Last evaluated: 2018-07-14. Review status: criteria provided, single submitter. Criteria: ACMG Guidelines, 2015. Collection method: clinical testing. Allele origin: germline. Affected: no.

Breakthrough Genomics
Classification: Benign. Review status: criteria provided, single submitter. Criteria: ACMG Guidelines, 2015. Collection method: not provided. Allele origin: germline. Inheritance: Autosomal dominant inheritance. Affected: yes.

Clinical Genetics DNA and cytogenetics Diagnostics Lab, Erasmus MC, Erasmus Medical Center
Classification: Likely benign. Review status: no assertion criteria provided. Collection method: clinical testing. Allele origin: germline. Affected: yes. Study: VKGL Data-share Consensus. Not counted in ClinVar's aggregate classification.

Clinical Genetics, Academic Medical Center
Classification: Likely benign. Review status: no assertion criteria provided. Collection method: clinical testing. Allele origin: germline. Affected: yes. Study: VKGL Data-share Consensus. Not counted in ClinVar's aggregate classification.

Genome Diagnostics Laboratory, University Medical Center Utrecht
Classification: Likely benign. Review status: no assertion criteria provided. Collection method: clinical testing. Allele origin: germline. Affected: yes. Study: VKGL Data-share Consensus. Not counted in ClinVar's aggregate classification.